The following is an entry in ClinVar:

NM_024675.4(PALB2):c.2444C>G (p.Ser815Ter)

Gene: PALB2 (partner and localizer of BRCA2; minus strand). Cytogenetic location: 16p12.2.
Variant type: single nucleotide variant.
Coding change: c.2444C>G on transcript NM_024675.4 (MANE Select); coding-DNA position 2444, C replaced by G.
Protein change: p.Ser815Ter; replaces serine 815 with a stop codon.
Molecular consequence: nonsense. On other transcripts: intron variant (1).
Genome position (GRCh38, 1-based): chr16:23,629,710, G>C on the plus strand (C>G on the coding strand, the complement: PALB2 is on the minus strand). VCF-style: chr16-23629710-G-C. GRCh37 (hg19) VCF-style: chr16-23641031-G-C.
Other names: c.2384C>G, p.Ser795Ter (NM_001407296.1); c.2444C>G, p.Ser815Ter (NM_001407297.1, NM_001407298.1, NM_001407299.1 and 3 more transcripts); c.1559C>G, p.Ser520Ter (NM_001407304.1, NM_001407305.1, NM_001407306.1 and 5 more transcripts); c.656C>G, p.Ser219Ter (NM_001407312.1, NM_001407313.1); c.49-435C>G (NM_001407314.1); short protein forms S219*, S520*, S795*, S815*.
Identifiers: ClinVar variation 2673858 (VCV002673858.1), dbSNP rs879254068, ClinGen allele CA395124200.
Genomic context (GRCh38, chr16:23,629,710, plus strand): 5'-GAATGTTTATGCAGCTCCTGGCATGTGTTTCTACAGAGCTGATTTTCTTTAAAAGTGAAT[G>C]ACTCAATGGGTGGAGGTGTTCCTGGCGGGACAGAGTCACAGTCACAGGTAGGTTGTCCTT-3'

ClinVar aggregate classification (germline): Pathogenic (1 of 4 stars; one submission).

Conditions:
Familial cancer of breast. Also called: Hereditary breast cancer; BREAST CANCER, FAMILIAL; hereditary breast carcinoma. Identifiers: Orphanet 227535, MedGen C0346153, MONDO:0016419, OMIM 114480. Disease mechanism: loss of function.

Submission:

Myriad Genetics, Inc.
Classification: Pathogenic for Familial cancer of breast. Last evaluated: 2023-09-12. Review status: criteria provided, single submitter. Criteria: Myriad Autosomal Dominant, Autosomal Recessive and X-Linked Classification Criteria (2023). Collection method: clinical testing. Allele origin: unknown.
Comment: This variant is considered pathogenic. This variant creates a termination codon and is predicted to result in premature protein truncation.